The following is an entry in ClinVar:

NM_000117.3(EMD):c.284A>T (p.Tyr95Phe)

Gene: EMD (emerin; plus strand). Cytogenetic location: Xq28.
Variant type: single nucleotide variant.
Coding change: c.284A>T on transcript NM_000117.3 (MANE Select); coding-DNA position 284, A replaced by T.
Protein change: p.Tyr95Phe; replaces tyrosine 95 with phenylalanine.
Molecular consequence: missense variant.
Genome position (GRCh38, 1-based): chrX:154,380,252, A>T. VCF-style: chrX-154380252-A-T. GRCh37 (hg19) VCF-style: chrX-153608612-A-T.
Other names: short protein forms Y95F.
Identifiers: ClinVar variation 3665836 (VCV003665836.2).

ClinVar aggregate classification (germline): Uncertain significance (1 of 4 stars; one submission).

Conditions:
X-linked Emery-Dreifuss muscular dystrophy. Also called: Muscular dystrophy, tardive Emery-Dreifuss type, with contractures. Identifiers: Orphanet 261, Orphanet 98863, MedGen C0751337, MONDO:0010680.

Submission:

Labcorp Genetics (formerly Invitae), Labcorp
Classification: Uncertain significance for X-linked Emery-Dreifuss muscular dystrophy. Last evaluated: 2025-01-01. Review status: criteria provided, single submitter. Criteria: Invitae Variant Classification Sherloc (09022015). Collection method: clinical testing. Allele origin: germline.
Comment: This sequence change replaces tyrosine, which is neutral and polar, with phenylalanine, which is neutral and non-polar, at codon 95 of the EMD protein (p.Tyr95Phe). This variant is not present in population databases (gnomAD no frequency). This variant has not been reported in the literature in individuals affected with EMD-related conditions. Invitae Evidence Modeling of protein sequence and biophysical properties (such as structural, functional, and spatial information, amino acid conservation, physicochemical variation, residue mobility, and thermodynamic stability) indicates that this missense variant is expected to disrupt EMD protein function with a positive predictive value of 80%. In summary, the available evidence is currently insufficient to determine the role of this variant in disease. Therefore, it has been classified as a Variant of Uncertain Significance.